The following is an entry in ClinVar:

NM_006918.5(SC5D):c.546A>G (p.Ile182Met)

Gene: SC5D (sterol-C5-desaturase; plus strand). Cytogenetic location: 11q24.1.
Variant type: single nucleotide variant.
Coding change: c.546A>G on transcript NM_006918.5 (MANE Select); coding-DNA position 546, A replaced by G.
Protein change: p.Ile182Met; replaces isoleucine 182 with methionine.
Molecular consequence: missense variant.
Genome position (GRCh38, 1-based): chr11:121,307,158, A>G. VCF-style: chr11-121307158-A-G. GRCh37 (hg19) VCF-style: chr11-121177867-A-G.
Other names: c.546A>G, p.Ile182Met (NM_001024956.3); short protein forms I182M.
Identifiers: ClinVar variation 1967586 (VCV001967586.5), dbSNP rs780238470, ClinGen allele CA6328194.
Genomic context (GRCh38, chr11:121,307,158, plus strand): 5'-ATTTGCAAGTCATGCTTTTCACCCTATTGATGGCTTTCTTCAGAGTCTACCTTACCATAT[A>G]TACCCTTTTATCTTTCCATTACACAAGGTGGTTTATTTAAGTCTGTACATCTTGGTTAAT-3'
Protein context (NP_008849.2, residues 172-192): DGFLQSLPYH[Ile182Met]YPFIFPLHKV

ClinVar aggregate classification (germline): Uncertain significance (1 of 4 stars; one submission).

Allele frequency attached by ClinVar (database versions not stated): ExAC 0.00002.
gnomAD v4.1: 10 of 1,614,020 alleles (0.00062%); highest among the groups gnomAD compares: South Asian, 0.011%; no homozygotes.

Submission:

Labcorp Genetics (formerly Invitae), Labcorp
Classification: Uncertain significance. Last evaluated: 2022-01-17. Review status: criteria provided, single submitter. Criteria: Invitae Variant Classification Sherloc (09022015). Collection method: clinical testing. Allele origin: germline.
Comment: In summary, the available evidence is currently insufficient to determine the role of this variant in disease. Therefore, it has been classified as a Variant of Uncertain Significance. This sequence change replaces isoleucine, which is neutral and non-polar, with methionine, which is neutral and non-polar, at codon 182 of the SC5D protein (p.Ile182Met). This variant is present in population databases (rs780238470, gnomAD 0.01%). This variant has not been reported in the literature in individuals affected with SC5D-related conditions. Algorithms developed to predict the effect of missense changes on protein structure and function are either unavailable or do not agree on the potential impact of this missense change (SIFT: "Deleterious"; PolyPhen-2: "Possibly Damaging"; Align-GVGD: "Class C0").